The following is an entry in ClinVar:

NM_000212.3(ITGB3):c.2259C>T (p.Phe753=)

Genes: EFCAB13-DT (EFCAB13 divergent transcript; minus strand), ITGB3 (integrin subunit beta 3; plus strand). Cytogenetic location: 17q21.32.
Variant type: single nucleotide variant.
Coding change: c.2259C>T on transcript NM_000212.3 (MANE Select); coding-DNA position 2259, C replaced by T.
Protein change: p.Phe753=; no amino-acid change (phenylalanine 753 retained).
Molecular consequence: synonymous variant.
Genome position (GRCh38, 1-based): chr17:47,307,595, C>T. VCF-style: chr17-47307595-C-T. GRCh37 (hg19) VCF-style: chr17-45384961-C-T.
Identifiers: ClinVar variation 2716061 (VCV002716061.6), dbSNP rs546345692, ClinGen allele CA8623482.

ClinVar aggregate classification (germline): Likely benign. Review status: criteria provided, multiple submitters, no conflicts (2 of 4 stars). 3 submissions from 3 submitters: Likely benign (2). 1 of the submissions does not count toward it. Last evaluated 2026-01-12.

Conditions:
ITGB3-related disorder. Also called: ITGB3-related condition.

Allele frequency attached by ClinVar (database versions not stated): TOPMed 0.00006; gnomAD 0.00009; ExAC 0.00012.
gnomAD v4.1: 173 of 1,614,032 alleles (0.011%); highest among the groups gnomAD compares: South Asian, 0.082%; no homozygotes.

Submissions (3):

Labcorp Genetics (formerly Invitae), Labcorp
Classification: Likely benign. Last evaluated: 2026-01-12. Review status: criteria provided, single submitter. Criteria: Invitae Variant Classification Sherloc (09022015). Collection method: clinical testing. Allele origin: germline.

Blueprint Genetics
Classification: Likely benign. Last evaluated: 2024-03-25. Review status: criteria provided, single submitter. Criteria: ACMG Guidelines, 2015. Collection method: clinical testing. Allele origin: germline.

PreventionGenetics, part of Exact Sciences
Classification: Likely benign for ITGB3-related condition. Last evaluated: 2024-03-27. Review status: no assertion criteria provided. Collection method: clinical testing. Allele origin: germline. Not counted in ClinVar's aggregate classification.
Comment: This variant is classified as likely benign based on ACMG/AMP sequence variant interpretation guidelines (Richards et al. 2015 PMID: 25741868, with internal and published modifications).